The following is an entry in ClinVar:

NM_000237.3(LPL):c.1279G>A (p.Ala427Thr)

Gene: LPL (lipoprotein lipase; plus strand). Cytogenetic location: 8p21.3.
Variant type: single nucleotide variant.
Coding change: c.1279G>A on transcript NM_000237.3 (MANE Select); coding-DNA position 1279, G replaced by A.
Protein change: p.Ala427Thr; replaces alanine 427 with threonine.
Molecular consequence: missense variant.
Genome position (GRCh38, 1-based): chr8:19,961,040, G>A. VCF-style: chr8-19961040-G-A. GRCh37 (hg19) VCF-style: chr8-19818551-G-A.
Other names: short protein forms A427T.
Identifiers: ClinVar variation 362414 (VCV000362414.26), dbSNP rs5934, ClinGen allele CA4655688.

ClinVar aggregate classification (germline): Benign/Likely benign. Review status: criteria provided, multiple submitters, no conflicts (2 of 4 stars). 10 submissions from 10 submitters: Benign (6); Likely benign (3). 1 of the submissions does not count toward it. Last evaluated 2026-02-04.

Conditions:
Cardiovascular phenotype. Identifiers: MedGen CN230736.
Hyperlipoproteinemia, type I. Also called: LPL DEFICIENCY; Familial Lipoprotein Lipase Deficiency; HYPERLIPOPROTEINEMIA, TYPE IA; Familial hyperlipo-proteinemia type 1; Hyperlipemia essential familial; Lipase D deficiency. Identifiers: Orphanet 309015, Orphanet 444490, MedGen C0023817, MONDO:0009387, OMIM 238600. Disease mechanism: loss of function.

Allele frequency attached by ClinVar (database versions not stated): gnomAD exomes 0.00131 and 0.00313; ExAC 0.00327; 1000 Genomes Project 0.00659; 1000 Genomes Project 30x 0.00718; gnomAD 0.00900 and 0.00972; ESP Exome Variant Server 0.00930; TOPMed 0.01057.
gnomAD v4.1: 3,369 of 1,614,058 alleles (0.21%); highest among the groups gnomAD compares: African/African-American, 3%; 40 homozygotes.

Submissions (10):

Labcorp Genetics (formerly Invitae), Labcorp
Classification: Benign. Last evaluated: 2026-02-04. Review status: criteria provided, single submitter. Criteria: Invitae Variant Classification Sherloc (09022015). Collection method: clinical testing. Allele origin: germline.

Molecular Diagnostic Laboratory for Inherited Cardiovascular Disease, Montreal Heart Institute
Classification: Benign. Last evaluated: 2025-04-09. Review status: criteria provided, single submitter. Criteria: ACMG Guidelines, 2015. Collection method: clinical testing. Allele origin: germline. Affected: no.

Blueprint Genetics
Classification: Likely benign. Last evaluated: 2024-11-27. Review status: criteria provided, single submitter. Criteria: ACMG Guidelines, 2015. Collection method: clinical testing. Allele origin: germline.

Mayo Clinic Laboratories, Mayo Clinic
Classification: Benign. Last evaluated: 2024-05-08. Review status: criteria provided, single submitter. Criteria: ACMG Guidelines, 2015. Collection method: clinical testing. Allele origin: germline. Observed: 3 variant alleles.
Comment: BS1, BS2, BP4

Women's Health and Genetics/Laboratory Corporation of America, LabCorp
Classification: Benign. Last evaluated: 2022-07-06. Review status: criteria provided, single submitter. Criteria: LabCorp Variant Classification Summary - May 2015. Collection method: clinical testing. Allele origin: germline.
Comment: Variant summary: LPL c.1279G>A (p.Ala427Thr) results in a non-conservative amino acid change in the encoded protein sequence. Four of five in-silico tools predict a benign effect of the variant on protein function. The variant allele was found at a frequency of 0.0031 in 252692 control chromosomes, predominantly at a frequency of 0.03 within the African or African-American subpopulation in the gnomAD database, including 3 homozygotes. The observed variant frequency within African or African-American control individuals in the gnomAD database is approximately 9 fold of the estimated maximal expected allele frequency for a pathogenic variant in LPL causing Familial Lipoprotein Lipase Deficiency phenotype (0.0034), strongly suggesting that the variant is a benign polymorphism found primarily in populations of African or African-American origin. c.1279G>A has been reported in the literature in individuals affected with Familial Lipoprotein Lipase Deficiency or hypertriglyceridemia. These reports do not provide unequivocal conclusions about association of the variant with Familial Lipoprotein Lipase Deficiency. At least one publication reports experimental evidence evaluating an impact on protein function. These results showed no damaging effect of this variant (Surendran_2012). Four other clinical diagnostic laboratories have submitted clinical-significance assessments for this variant to ClinVar after 2014 without evidence for independent evaluation. All laboratories classified the variant as benign (n=3) /likely benign (n=1). Based on the evidence outlined above, the variant was classified as benign.

GeneDx
Classification: Benign. Last evaluated: 2021-01-04. Review status: criteria provided, single submitter. Criteria: GeneDx Variant Classification Process June 2021. Collection method: clinical testing. Allele origin: germline. Affected: yes.
Comment: This variant is associated with the following publications: (PMID: 25966443, 22239554)

Ambry Genetics
Classification: Benign for Cardiovascular phenotype. Last evaluated: 2020-09-16. Review status: criteria provided, single submitter. Criteria: Ambry Variant Classification Scheme 2023. Collection method: clinical testing. Allele origin: germline.

Illumina Laboratory Services, Illumina
Classification: Likely benign for Hyperlipoproteinemia, type I. Last evaluated: 2017-04-27. Review status: criteria provided, single submitter. Criteria: ICSL Variant Classification Criteria 13 December 2019. Collection method: clinical testing. Allele origin: germline.
Comment: This variant was observed as part of a predisposition screen in an ostensibly healthy population. A literature search was performed for the gene, cDNA change, and amino acid change (where applicable). No publications were found based on this search. Allele frequency data from public databases allowed determination this variant is unlikely to cause disease. Therefore, this variant is classified as likely benign.

Breakthrough Genomics
Classification: Likely benign. Review status: criteria provided, single submitter. Criteria: ACMG Guidelines, 2015. Collection method: not provided. Allele origin: germline. Inheritance: Autosomal recessive inheritance. Affected: yes.

Natera, Inc.
Classification: Benign for Lipoprotein lipase deficiency. Last evaluated: 2019-10-25. Review status: no assertion criteria provided. Collection method: clinical testing. Allele origin: germline. Not counted in ClinVar's aggregate classification.

Literature cited by the submitters: PubMed 22239554 (cited by Mayo Clinic Laboratories, Mayo Clinic and Women's Health and Genetics/Laboratory Corporation of America, LabCorp); PubMed 26342331 (cited by Women's Health and Genetics/Laboratory Corporation of America, LabCorp); PubMed 25966443 (cited by Women's Health and Genetics/Laboratory Corporation of America, LabCorp).